The following is an entry in ClinVar:

NM_001371928.1(AHDC1):c.1926G>A (p.Glu642=)

Gene: AHDC1 (AT-hook DNA binding motif containing 1; minus strand). Cytogenetic location: 1p36.11.
Variant type: single nucleotide variant.
Coding change: c.1926G>A on transcript NM_001371928.1 (MANE Select); coding-DNA position 1926, G replaced by A.
Protein change: p.Glu642=; no amino-acid change (glutamic acid 642 retained).
Molecular consequence: synonymous variant.
Genome position (GRCh38, 1-based): chr1:27,550,190, C>T on the plus strand (G>A on the coding strand, the complement: AHDC1 is on the minus strand). VCF-style: chr1-27550190-C-T. GRCh37 (hg19) VCF-style: chr1-27876701-C-T.
Other names: c.1926G>A, p.Glu642= (NM_001029882.3).
Identifiers: ClinVar variation 4822253 (VCV004822253.4).

ClinVar aggregate classification (germline): Likely benign (1 of 4 stars; one submission).

Submission:

CeGaT Center for Human Genetics Tuebingen
Classification: Likely benign. Last evaluated: 2026-03-01. Review status: criteria provided, single submitter. Criteria: CeGaT Center For Human Genetics Tuebingen Variant Classification Criteria Version 2. Collection method: clinical testing. Allele origin: germline. Affected: yes. Observed: 1 variant allele.
Comment: AHDC1: PM2:Supporting, BP4, BP7